The following is an entry in ClinVar:

ClinVar aggregate classification (germline): Conflicting classifications of pathogenicity. Review status: criteria provided, conflicting classifications (1 of 4 stars). 9 submissions from 9 submitters: Uncertain significance (5); Likely benign (2). 2 of the submissions do not count toward it. Last evaluated 2026-01-28.

Conditions:
Inborn genetic diseases. Identifiers: MedGen C0950123, MeSH D030342.
NEB-related disorder. Also called: NEB-Related Disorders; NEB-related condition.
Nemaline myopathy 2 (NEM2). Also called: Nemaline myopathy 2, autosomal recessive. Identifiers: MedGen C1850569, MONDO:0009725, OMIM 256030.

Allele frequency attached by ClinVar (database versions not stated): TOPMed 0.00020; gnomAD 0.00029 and 0.00031; gnomAD exomes 0.00033 and 0.00036; ESP Exome Variant Server 0.00043; ExAC 0.00046.
gnomAD v4.1: 517 of 1,599,172 alleles (0.032%); highest among the groups gnomAD compares: Non-Finnish European, 0.037%; no homozygotes.

Submissions (9):

Labcorp Genetics (formerly Invitae), Labcorp
Classification: Likely benign for Nemaline myopathy 2. Last evaluated: 2026-01-28. Review status: criteria provided, single submitter. Criteria: Invitae Variant Classification Sherloc (09022015). Collection method: clinical testing. Allele origin: germline.

Athena Diagnostics
Classification: Uncertain significance. Last evaluated: 2025-09-29. Review status: criteria provided, single submitter. Criteria: Athena Diagnostics Criteria. Collection method: clinical testing. Allele origin: unknown.
Comment: Available data are insufficient to determine the clinical significance of the variant at this time. The frequency of this variant in the general population is higher than would generally be expected for pathogenic variants in this gene. Polyphen and MutationTaster yielded discordant predictions regarding whether this amino acid change is damaging to the protein.

Blueprint Genetics
Classification: Uncertain significance. Last evaluated: 2024-11-13. Review status: criteria provided, single submitter. Criteria: ACMG Guidelines, 2015. Collection method: clinical testing. Allele origin: germline.

PreventionGenetics, part of Exact Sciences
Classification: Uncertain significance for NEB-related condition. Last evaluated: 2023-05-25. Review status: criteria provided, single submitter. Criteria: ACMG Guidelines, 2015. Collection method: clinical testing. Allele origin: germline.
Comment: The NEB c.6817A>G variant is predicted to result in the amino acid substitution p.Lys2273Glu. To our knowledge, this variant has not been reported in the literature. This variant is reported in 0.081% of alleles in individuals of European (Finnish) descent in gnomAD. Although we suspect that this variant may be benign, at this time, the clinical significance of this variant is uncertain due to the absence of conclusive functional and genetic evidence.

Ambry Genetics
Classification: Uncertain significance for Inborn genetic diseases. Last evaluated: 2021-09-15. Review status: criteria provided, single submitter. Criteria: Ambry Variant Classification Scheme 2023. Collection method: clinical testing. Allele origin: germline.

GeneDx
Classification: Likely benign. Last evaluated: 2020-02-25. Review status: criteria provided, single submitter. Criteria: GeneDx Variant Classification Process June 2021. Collection method: clinical testing. Allele origin: germline. Affected: yes.

Illumina Laboratory Services, Illumina
Classification: Uncertain significance for Nemaline myopathy 2. Last evaluated: 2018-01-13. Review status: criteria provided, single submitter. Criteria: ICSL Variant Classification Criteria 13 December 2019. Collection method: clinical testing. Allele origin: germline.

Natera, Inc.
Classification: Likely benign for Nemaline myopathy type 2. Last evaluated: 2020-09-16. Review status: no assertion criteria provided. Collection method: clinical testing. Allele origin: germline. Not counted in ClinVar's aggregate classification.

Department of Pathology and Laboratory Medicine, Sinai Health System
Classification: Uncertain significance. Review status: no assertion criteria provided. Collection method: clinical testing. Allele origin: unknown. Affected: yes. Study: The Canadian Open Genetics Repository (COGR). Not counted in ClinVar's aggregate classification.
Comment: The NEB p.Lys2273Glu variant was not identified in the literature nor was it identified in LOVD 3.0. The variant was identified in dbSNP (ID: rs199700878) and ClinVar (classified as likely benign by Invitae and uncertain significance by Illumina). The variant was identified in control databases in 103 of 270336 chromosomes (1 homozygous) at a frequency of 0.000381 increasing the likelihood this could be a low frequency benign variant (Genome Aggregation Database March 6, 2019, v2.1.1). The variant was observed in the following populations: European (Finnish) in 20 of 24710 chromosomes (freq: 0.000809), Other in 5 of 6800 chromosomes (freq: 0.000735), European (non-Finnish) in 74 of 125282 chromosomes (freq: 0.000591) and Latino in 4 of 32652 chromosomes (freq: 0.000123), but was not observed in the African, Ashkenazi Jewish, East Asian, or South Asian populations. The p.Lys2273 residue is not conserved in mammals and four out of five computational analyses (PolyPhen-2, SIFT, AlignGVGD, BLOSUM, MutationTaster) do not suggest a high likelihood of impact to the protein; however, this information is not predictive enough to rule out pathogenicity. The variant occurs outside of the splicing consensus sequence and in silico or computational prediction software programs (SpliceSiteFinder, MaxEntScan, NNSPLICE, GeneSplicer) do not predict a difference in splicing. In summary, based on the above information the clinical significance of this variant cannot be determined with certainty at this time. This variant is classified as a variant of uncertain significance.

Literature cited by the submitters: PubMed 29970176 (cited by Athena Diagnostics).

NM_001164508.2(NEB):c.6817A>G (p.Lys2273Glu)

Gene: NEB (nebulin; minus strand). Cytogenetic location: 2q23.3.
Variant type: single nucleotide variant.
Coding change: c.6817A>G on transcript NM_001164508.2 (MANE Select); coding-DNA position 6817, A replaced by G.
Protein change: p.Lys2273Glu; replaces lysine 2273 with glutamic acid.
Molecular consequence: missense variant.
Genome position (GRCh38, 1-based): chr2:151,654,090, T>C on the plus strand (A>G on the coding strand, the complement: NEB is on the minus strand). VCF-style: chr2-151654090-T-C. GRCh37 (hg19) VCF-style: chr2-152510604-T-C.
Other names: c.6817A>G, p.Lys2273Glu (NM_001164507.2, NM_001271208.2, NM_004543.5); short protein forms K2273E.
Identifiers: ClinVar variation 331495 (VCV000331495.25), dbSNP rs199700878, ClinGen allele CA1909989.